The following is an entry in ClinVar:

NM_000492.4(CFTR):c.1562T>A (p.Ile521Asn)

Genes: CFTR (CF transmembrane conductance regulator; plus strand), CFTR-AS1 (CFTR antisense RNA 1; minus strand). Cytogenetic location: 7q31.2.
Variant type: single nucleotide variant.
Coding change: c.1562T>A on transcript NM_000492.4 (MANE Select); coding-DNA position 1562, T replaced by A.
Protein change: p.Ile521Asn; replaces isoleucine 521 with asparagine.
Molecular consequence: missense variant.
Genome position (GRCh38, 1-based): chr7:117,559,633, T>A. VCF-style: chr7-117559633-T-A. GRCh37 (hg19) VCF-style: chr7-117199687-T-A.
Other names: short protein forms I521N.
Identifiers: ClinVar variation 3615459 (VCV003615459.2).

ClinVar aggregate classification (germline): Uncertain significance (1 of 4 stars; one submission).

Conditions:
Cystic fibrosis (CF). Also called: MUCOVISCIDOSIS. Identifiers: Orphanet 586, MedGen C0010674, MONDO:0009061, OMIM 219700. Disease mechanism: loss of function.

Submission:

Labcorp Genetics (formerly Invitae), Labcorp
Classification: Uncertain significance for Cystic fibrosis. Last evaluated: 2024-03-13. Review status: criteria provided, single submitter. Criteria: Invitae Variant Classification Sherloc (09022015). Collection method: clinical testing. Allele origin: germline.
Comment: This sequence change replaces isoleucine, which is neutral and non-polar, with asparagine, which is neutral and polar, at codon 521 of the CFTR protein (p.Ile521Asn). This variant is not present in population databases (gnomAD no frequency). This variant has not been reported in the literature in individuals affected with CFTR-related conditions. Advanced modeling of protein sequence and biophysical properties (such as structural, functional, and spatial information, amino acid conservation, physicochemical variation, residue mobility, and thermodynamic stability) performed at Invitae indicates that this missense variant is expected to disrupt CFTR protein function with a positive predictive value of 80%. In summary, the available evidence is currently insufficient to determine the role of this variant in disease. Therefore, it has been classified as a Variant of Uncertain Significance.